The following is an entry in ClinVar:

ClinVar aggregate classification (germline): Benign/Likely benign. Review status: criteria provided, multiple submitters, no conflicts (2 of 4 stars). 2 submissions from 2 submitters: Benign (1); Likely benign (1). Last evaluated 2025-03-24.

Conditions:
Familial thoracic aortic aneurysm and aortic dissection (TAAD). Also called: Thoracic aortic aneurysms and dissections. Identifiers: Orphanet 91387, MedGen C4707243, MONDO:0019625.
Hereditary cancer-predisposing syndrome. Also called: Hereditary neoplastic syndrome; Neoplastic Syndromes, Hereditary; Tumor predisposition; Hereditary Cancer Syndrome. Identifiers: Orphanet 140162, MedGen C0027672, MeSH D009386, MONDO:0015356.
Juvenile polyposis/hereditary hemorrhagic telangiectasia syndrome (JPHT). Also called: JP/HHT SYNDROME; JUVENILE POLYPOSIS WITH HEREDITARY HEMORRHAGIC TELANGIECTASIA; POLYPOSIS, GENERALIZED JUVENILE, WITH PULMONARY ARTERIOVENOUS MALFORMATION; TELANGIECTASIA, HEREDITARY HEMORRHAGIC, WITH JUVENILE POLYPOSIS COLI; Juvenile Polyposis Syndrome / Hereditary Hemorrhagic Telangiectasia (JPS/HHT). Identifiers: Orphanet 2929, MedGen C1832942, MONDO:0008278, OMIM 175050.

Allele frequency attached by ClinVar (database versions not stated): gnomAD exomes below 0.00001.
gnomAD v4.1: 1 of 1,614,186 alleles (0.000062%); highest among the groups gnomAD compares: Non-Finnish European, 0.000085%; no homozygotes.

Submissions (2):

Myriad Genetics, Inc.
Classification: Benign for Juvenile polyposis/hereditary hemorrhagic telangiectasia syndrome. Last evaluated: 2025-03-24. Review status: criteria provided, single submitter. Criteria: Myriad Autosomal Dominant, Autosomal Recessive and X-Linked Classification Criteria (2023). Collection method: clinical testing. Allele origin: unknown.
Comment: This variant is considered benign. This variant is a silent/synonymous amino acid change and it is not expected to impact splicing.

Ambry Genetics
Classification: Likely benign for Hereditary cancer-predisposing syndrome; Familial thoracic aortic aneurysm and aortic dissection. Last evaluated: 2020-12-17. Review status: criteria provided, single submitter. Criteria: Ambry Variant Classification Scheme 2023. Collection method: clinical testing. Allele origin: germline.

NM_005359.6(SMAD4):c.1548G>A (p.Gln516=)

Gene: SMAD4 (SMAD family member 4; plus strand). Cytogenetic location: 18q21.2.
Variant type: single nucleotide variant.
Coding change: c.1548G>A on transcript NM_005359.6 (MANE Select); coding-DNA position 1548, G replaced by A.
Protein change: p.Gln516=; no amino-acid change (glutamine 516 retained).
Molecular consequence: synonymous variant. On other transcripts: non-coding transcript variant (1).
Genome position (GRCh38, 1-based): chr18:51,078,356, G>A. VCF-style: chr18-51078356-G-A. GRCh37 (hg19) VCF-style: chr18-48604726-G-A.
Other names: c.1548G>A, p.Gln516= (NM_001407041.1, NM_001407042.1).
Identifiers: ClinVar variation 1774976 (VCV001774976.3), dbSNP rs2144478896, ClinGen allele CA503874019.